The following is an entry in ClinVar:

ClinVar aggregate classification (germline): Conflicting classifications of pathogenicity. Review status: criteria provided, conflicting classifications (1 of 4 stars). 10 submissions from 10 submitters: Likely pathogenic (1); Uncertain significance (7); Benign (1); Likely benign (1). Last evaluated 2026-07-04.

Conditions:
Cardiovascular phenotype. Identifiers: MedGen CN230736.
Cardiomyopathy (CMYO). Also called: Cardiomyopathies. Identifiers: Orphanet 167848, MedGen C0878544, MONDO:0004994, HP:0001638. Inheritance: Various modes of inheritance.
Hypertrophic cardiomyopathy 1 (CMH1). Also called: MYH7-Related Familial Hypertrophic Cardiomyopathy; Familial hypertrophic cardiomyopathy 1. Identifiers: MedGen C3495498, MONDO:0008647, OMIM 192600.
Hypertrophic cardiomyopathy 4. Also called: Familial hypertrophic cardiomyopathy 4. Identifiers: MedGen C1861862, MONDO:0007268, OMIM 115197.
Hypertrophic cardiomyopathy. Also called: HYPERTROPHIC MYOCARDIOPATHY. Identifiers: Orphanet 217569, MedGen C0007194, MeSH D002312, MONDO:0005045, HP:0001639.

Allele frequency attached by ClinVar (database versions not stated): gnomAD exomes 0.00004 and 0.00013; ExAC 0.00027; TOPMed below 0.00001; gnomAD 0.00002.
gnomAD v4.1: 61 of 1,613,792 alleles (0.0038%); highest among the groups gnomAD compares: East Asian, 0.0089%; 1 homozygote.

Submissions (10):

GeneDx
Classification: Uncertain significance. Last evaluated: 2026-07-04. Review status: criteria provided, single submitter. Criteria: GeneDx Variant Classification Process June 2021. Collection method: clinical testing. Allele origin: germline.
Comment: In silico analysis supports that this missense variant has a deleterious effect on protein structure/function; This variant is associated with the following publications: (PMID: 19134269, 22958901, 27000522, 21415409, 28790153, 28679633, 25611685, 20359594, 15563892, 12818575, 25335496, 21302287, 31996869, 38279275, 37652022, 32841044, 33782553)

Ambry Genetics
Classification: Uncertain significance for Cardiovascular phenotype. Last evaluated: 2025-11-05. Review status: criteria provided, single submitter. Criteria: Ambry Variant Classification Scheme 2023. Collection method: clinical testing. Allele origin: germline.
Comment: The p.R668H variant (also known as c.2003G>A), located in coding exon 21 of the MYBPC3 gene, results from a G to A substitution at nucleotide position 2003. The arginine at codon 668 is replaced by histidine, an amino acid with highly similar properties. This alteration has been detected in individuals reported to have hypertrophic cardiomyopathy (HCM) (Ambry internal data; M&ouml;rner S et al. J Mol Cell Cardiol. 2003;35:841-9; Song L et al. Clin Chim Acta. 2005;351:209-16; Wang H et al. Zhonghua Xin Xue Guan Bing Za Zhi. 2008;36:1059-62; Girolami F et al. J Am Coll Cardiol. 2010;55:1444-53), and also in a sudden cardiac death case (Cann F et al. Clin Genet. 2016 Mar). Family studies have identified this variant in some reportedly affected members, but also multiple unaffected family members, and this alteration has been reported to co-occur with alterations in other cardiac-related genes in one family (M&ouml;rner S et al. J Mol Cell Cardiol. 2003;35:841-9; Wang H et al. Zhonghua Xin Xue Guan Bing Za Zhi. 2008;36:1059-62; Girolami F et al. J Am Coll Cardiol. 2010;55:1444-53; Cann F et al. Clin Genet. 2016 Mar). This amino acid position is highly conserved in available vertebrate species. In addition, this alteration is predicted to be deleterious by in silico analysis. Based on data from gnomAD, the frequency for this variant is above the maximum credible frequency for a disease-causing variant in this gene based on internally established thresholds (Karczewski et al. Nature. 2020 May;581(7809):434-443; Whiffin et al. Genet Med. 2017 10;19:1151-1158). Based on the available evidence, the clinical significance of this variant remains unclear.

Labcorp Genetics (formerly Invitae), Labcorp
Classification: Likely pathogenic for Hypertrophic cardiomyopathy. Last evaluated: 2025-10-27. Review status: criteria provided, single submitter. Criteria: Invitae Variant Classification Sherloc (09022015). Collection method: clinical testing. Allele origin: germline.
Comment: This sequence change replaces arginine, which is basic and polar, with histidine, which is basic and polar, at codon 668 of the MYBPC3 protein (p.Arg668His). This variant is present in population databases (rs727503191, gnomAD 0.03%). This missense change has been observed in individuals with hypertrophic cardiomyopathy (PMID: 12818575, 15563892, 20359594, 25335496, 28790153). ClinVar contains an entry for this variant (Variation ID: 164090). An algorithm developed to predict the effect of missense changes on protein structure and function (PolyPhen-2) suggests that this variant is likely to be disruptive. This variant disrupts the p.Arg668 amino acid residue in MYBPC3. Other variant(s) that disrupt this residue have been observed in individuals with MYBPC3-related conditions (PMID: 12974739, 21302287), which suggests that this may be a clinically significant amino acid residue. In summary, the currently available evidence indicates that the variant is pathogenic, but additional data are needed to prove that conclusively. Therefore, this variant has been classified as Likely Pathogenic.

Color Diagnostics, LLC DBA Color Health
Classification: Uncertain significance for Cardiomyopathy. Last evaluated: 2024-08-19. Review status: criteria provided, single submitter. Criteria: ACMG Guidelines, 2015. Collection method: clinical testing. Allele origin: germline.
Comment: This missense variant replaces arginine with histidine at codon 668 of the MYBPC3 protein. Computational prediction tools indicate that this variant has a deleterious impact on protein structure and function. To our knowledge, functional studies have not been reported for this variant. This variant has been reported in several individuals affected with hypertrophic cardiomyopathy as well as in multiple unaffected family members (PMID: 12818575, 15563892, 20359594, 25335496, 27000522, 32841044, 33782553). One of these affected individuals also carried a pathogenic truncation variant in the MYBPC3 gene that could explain the observed phenotype (PMID: 25335496). This variant occurs at an appreciable frequency in the general population and has been identified in 34/280486 chromosomes by the Genome Aggregation Database (gnomAD). The available evidence is insufficient to determine the role of this variant in disease conclusively. Therefore, this variant is classified as a Variant of Uncertain Significance.

Blueprint Genetics
Classification: Likely benign. Last evaluated: 2024-08-01. Review status: criteria provided, single submitter. Criteria: ACMG Guidelines, 2015. Collection method: clinical testing. Allele origin: germline.

All of Us Research Program, National Institutes of Health
Classification: Uncertain significance for Hypertrophic cardiomyopathy. Last evaluated: 2024-05-31. Review status: criteria provided, single submitter. Criteria: ACMG Guidelines, 2015. Collection method: clinical testing. Allele origin: germline. Inheritance: Autosomal dominant inheritance. Observed: 1 variant allele, 1 heterozygote.
Comment: This missense variant replaces arginine with histidine at codon 668 of the MYBPC3 protein. Computational prediction suggests that this variant may have deleterious impact on protein structure and function (internally defined REVEL score threshold >= 0.7, PMID: 27666373). To our knowledge, functional studies have not been reported for this variant. This variant has been reported in six unrelated individuals affected with hypertrophic cardiomyopathy as well as in eleven unaffected family members (PMID: 12818575, 15563892, 20359594, 25335496, 27000522). One of the affected individuals also carried a pathogenic truncation variant in the MYBPC3 gene that could explain the observed phenotype (PMID: 25335496). This variant occurs at an appreciable frequency in the general population and has been identified in 34/280486 chromosomes by the Genome Aggregation Database (gnomAD). The available evidence is insufficient to determine the role of this variant in disease conclusively. Therefore, this variant is classified as a Variant of Uncertain Significance.

This study involves interpretation of variants in research participants for the purpose of population health screening. Participant phenotype was not available at the time of variant classification. Additional details can be found in publication PMID: 35346344, PMCID: PMC8962531

Clinical Genetics Laboratory, Skane University Hospital Lund
Classification: Uncertain significance. Last evaluated: 2023-10-26. Review status: criteria provided, single submitter. Criteria: ACMG Guidelines, 2015. Collection method: clinical testing. Allele origin: germline. Affected: yes.

Laboratory for Molecular Medicine, Mass General Brigham Personalized Medicine
Classification: Uncertain significance. Last evaluated: 2019-09-03. Review status: criteria provided, single submitter. Criteria: LMM Criteria. Collection method: clinical testing. Allele origin: germline. Observed: 2 variant alleles.
Comment: Variant classified as Uncertain Significance - Favor Benign. The p.Arg668His variant in MYBPC3 has been reported in at least 4 individuals with HCM (Morner 2003, Song 2005, Girolami 2010, Cann 2017); however, one of these individuals carried a second pathogenic variant in MYBPC3 that was sufficient to explain their disease (Girolami 2010, LMM data). The p.Arg668His variant has also been reported to segregate with cardiomyopathy in 2 families (Morner 2003, Cann 2017); however, detailed phenotypic information was not available. The p.Arg668His variant has been identified in 0.026% (33/128360) of European chromosomes, including 1 homozygous individual, by gnomAD. This frequency is higher than expected for a pathogenic variant in the MYBPC3 gene. Computational prediction tools and conservation analyses suggest that this variant may impact the protein, though this information is not predictive enough to determine pathogenicity. In summary, while the clinical significance of this variant is uncertain due to the presence of conflicting data, its frequency suggests that it is more likely to be benign. ACMG/AMP Criteria applied: BS1, BS4, PP1, PP3.

Mendelics
Classification: Benign for Hypertrophic cardiomyopathy 4. Last evaluated: 2019-05-28. Review status: criteria provided, single submitter. Criteria: Mendelics Assertion Criteria 2017. Collection method: clinical testing. Allele origin: unknown.

Agnes Ginges Centre for Molecular Cardiology, Centenary Institute
Classification: Uncertain significance for Hypertrophic cardiomyopathy 1. Last evaluated: 2015-07-21. Review status: criteria provided, single submitter. Criteria: Agnes Ginges Centre for Molecular Cardiology criteria (2015). Collection method: research. Allele origin: germline. Inheritance: Autosomal dominant inheritance. Affected: yes.
Comment: This MYBPC3 Arg668His has been previously identified in multiple unrelated HCM cases (Morner S. et al., 2003; Song L. et al., 2005; Alfares AA. et al., 2015). Familial segregation in one HCM family by Wang H. et al., (2008) found 3 HCM affecteds and 1 clinically unaffected to carry this variant. Similarly, familial investigation by Morner S. et al., (2003) identified clinically unaffected individuals to carry this MYBPC3 Arg668His variant. One of the additional variants (MYBPC3 Gln969*) is well described as disease-causing. Segregation analysis showed this MYBPC3 Arg668His variant to be present in one other clinically unaffected family member who carried an additional MYH7 Arg1079Gln variant (VUS). This variant is not observed in the 1000 genomes project, but occurs in the Exome Aggregation Consortium dataset at a frequency of 0.0002696. Furthermore, the MYBPC3 Arg668His has been identified in isolation in a heart study population (Bick AG, et al., 2012) and an HCM cohort (Alfares AA et al., 2015), but there is no further evidence provided in these studies to support a pathogenic role. Arginine (Arg) at position 668 is highly conserved across distantly related species and in silico tools SIFT and MutationTaster predict the impact of this variant to be "deleterious" and "disease-causing", respectively. No prediction is made by PolyPhen-HCM. Due to the possibility of incomplete disease penetrance in our family, limited segregation analysis due to small number of informative individuals, and co-occurrence with a MYBPC3 variant (Gln969*) that explains the disease phenotype, we classify this MYBPC3 Arg668His variant as one of "uncertain significance".

Literature cited by the submitters: PubMed 12818575 (cited by 6 submitters); PubMed 15563892 (cited by 6 submitters); PubMed 19134269 (cited by 3 submitters); PubMed 20359594 (cited by 6 submitters); PubMed 22958901 (cited by Ambry Genetics and Agnes Ginges Centre for Molecular Cardiology, Centenary Institute); PubMed 27000522 (cited by 4 submitters); PubMed 25335496 (cited by 4 submitters); PubMed 28790153 (cited by Labcorp Genetics (formerly Invitae), Labcorp and Laboratory for Molecular Medicine, Mass General Brigham Personalized Medicine); PubMed 12974739 (cited by Labcorp Genetics (formerly Invitae), Labcorp); PubMed 21302287 (cited by Labcorp Genetics (formerly Invitae), Labcorp); PubMed 32841044 (cited by Color Diagnostics, LLC DBA Color Health); PubMed 33782553 (cited by Color Diagnostics, LLC DBA Color Health); PubMed 2561168 (cited by Agnes Ginges Centre for Molecular Cardiology, Centenary Institute).

NM_000256.3(MYBPC3):c.2003G>A (p.Arg668His)

Gene: MYBPC3 (myosin binding protein C3; minus strand). Cytogenetic location: 11p11.2.
Variant type: single nucleotide variant.
Coding change: c.2003G>A on transcript NM_000256.3 (MANE Select); coding-DNA position 2003, G replaced by A.
Protein change: p.Arg668His; replaces arginine 668 with histidine.
Molecular consequence: missense variant.
Genome position (GRCh38, 1-based): chr11:47,339,715, C>T on the plus strand (G>A on the coding strand, the complement: MYBPC3 is on the minus strand). VCF-style: chr11-47339715-C-T. GRCh37 (hg19) VCF-style: chr11-47361266-C-T.
Other names: short protein forms R668H.
Identifiers: ClinVar variation 164090 (VCV000164090.30), dbSNP rs727503191, ClinGen allele CA011643.